The following is an entry in ClinVar:

ClinVar aggregate classification (germline): Uncertain significance (1 of 4 stars; one submission).

Allele frequency attached by ClinVar (database versions not stated): ExAC 0.00002; ESP Exome Variant Server 0.00008.

Submission:

Labcorp Genetics (formerly Invitae), Labcorp
Classification: Uncertain significance. Last evaluated: 2022-05-16. Review status: criteria provided, single submitter. Criteria: Invitae Variant Classification Sherloc (09022015). Collection method: clinical testing. Allele origin: germline.
Comment: This sequence change replaces alanine, which is neutral and non-polar, with glycine, which is neutral and non-polar, at codon 254 of the GTPBP3 protein (p.Ala254Gly). This variant is present in population databases (rs373370177, gnomAD 0.007%). This variant has not been reported in the literature in individuals affected with GTPBP3-related conditions. Algorithms developed to predict the effect of missense changes on protein structure and function (SIFT, PolyPhen-2, Align-GVGD) all suggest that this variant is likely to be tolerated. In summary, the available evidence is currently insufficient to determine the role of this variant in disease. Therefore, it has been classified as a Variant of Uncertain Significance.

NM_032620.4(GTPBP3):c.665C>G (p.Ala222Gly)

Gene: GTPBP3 (GTP binding protein 3, mitochondrial; plus strand). Cytogenetic location: 19p13.11.
Variant type: single nucleotide variant.
Coding change: c.665C>G on transcript NM_032620.4 (MANE Select); coding-DNA position 665, C replaced by G.
Protein change: p.Ala222Gly; replaces alanine 222 with glycine.
Molecular consequence: missense variant.
Genome position (GRCh38, 1-based): chr19:17,339,123, C>G. VCF-style: chr19-17339123-C-G. GRCh37 (hg19) VCF-style: chr19-17449932-C-G.
Other names: c.665C>G, p.Ala222Gly (NM_001128855.3); c.731C>G, p.Ala244Gly (NM_001195422.1); c.761C>G, p.Ala254Gly (NM_133644.4); short protein forms A222G, A244G, A254G.
Identifiers: ClinVar variation 1385121 (VCV001385121.5), dbSNP rs373370177, ClinGen allele CA9293457.